The following is an entry in ClinVar:

NM_004186.5(SEMA3F):c.1396A>G (p.Ile466Val)

Gene: SEMA3F (semaphorin 3F; plus strand). Cytogenetic location: 3p21.31.
Variant type: single nucleotide variant.
Coding change: c.1396A>G on transcript NM_004186.5 (MANE Select); coding-DNA position 1396, A replaced by G.
Protein change: p.Ile466Val; replaces isoleucine 466 with valine.
Molecular consequence: missense variant.
Genome position (GRCh38, 1-based): chr3:50,184,754, A>G. VCF-style: chr3-50184754-A-G. GRCh37 (hg19) VCF-style: chr3-50222187-A-G.
Other names: c.1099A>G, p.Ile367Val (NM_001318798.2); c.1303A>G, p.Ile435Val (NM_001318800.2); c.1396A>G (NM_004186.4); short protein forms I435V, I367V, I466V.
Identifiers: ClinVar variation 2520010 (VCV002520010.3), dbSNP rs754401762, ClinGen allele CA2412095.

ClinVar aggregate classification (germline): Likely benign. Review status: criteria provided, single submitter (1 of 4 stars). 2 submissions from 2 submitters: Likely benign (1). 1 of the submissions does not count toward it. Last evaluated 2023-04-18.

Conditions:
SEMA3F-related disorder. Also called: SEMA3F-related condition.

Allele frequency attached by ClinVar (database versions not stated): gnomAD exomes 0.00001; TOPMed 0.00001; ExAC 0.00002; gnomAD 0.00002.
gnomAD v4.1: 22 of 1,613,900 alleles (0.0014%); highest among the groups gnomAD compares: Non-Finnish European, 0.0017%; no homozygotes.

Submissions (2):

Ambry Genetics
Classification: Likely benign. Last evaluated: 2023-04-18. Review status: criteria provided, single submitter. Criteria: Ambry Variant Classification Scheme 2023. Collection method: clinical testing. Allele origin: germline.

PreventionGenetics, part of Exact Sciences
Classification: Uncertain significance for SEMA3F-related condition. Last evaluated: 2023-12-18. Review status: no assertion criteria provided. Collection method: clinical testing. Allele origin: germline. Not counted in ClinVar's aggregate classification.
Comment: The SEMA3F c.1396A>G variant is predicted to result in the amino acid substitution p.Ile466Val. To our knowledge, this variant has not been reported in the literature. This variant is reported in 0.0040% of alleles in individuals of African descent in gnomAD. At this time, the clinical significance of this variant is uncertain due to the absence of conclusive functional and genetic evidence.